The following is an entry in ClinVar:

ClinVar aggregate classification (germline): Uncertain significance (1 of 4 stars; one submission).

Conditions:
Landau-Kleffner syndrome (FESD). Also called: APHASIA, ACQUIRED, WITH EPILEPSY; EPILEPSY, FOCAL, WITH SPEECH DISORDER AND WITH OR WITHOUT MENTAL RETARDATION. Identifiers: Orphanet 1945, Orphanet 725, Orphanet 98818, MedGen C0282512, MONDO:0009509, OMIM 245570.

Submission:

Labcorp Genetics (formerly Invitae), Labcorp
Classification: Uncertain significance for Landau-Kleffner syndrome. Last evaluated: 2023-06-27. Review status: criteria provided, single submitter. Criteria: Invitae Variant Classification Sherloc (09022015). Collection method: clinical testing. Allele origin: germline.
Comment: Advanced modeling of protein sequence and biophysical properties (such as structural, functional, and spatial information, amino acid conservation, physicochemical variation, residue mobility, and thermodynamic stability) performed at Invitae indicates that this missense variant is expected to disrupt GRIN2A protein function. In summary, the available evidence is currently insufficient to determine the role of this variant in disease. Therefore, it has been classified as a Variant of Uncertain Significance. This variant has not been reported in the literature in individuals affected with GRIN2A-related conditions. This variant is not present in population databases (gnomAD no frequency). This sequence change replaces phenylalanine, which is neutral and non-polar, with leucine, which is neutral and non-polar, at codon 641 of the GRIN2A protein (p.Phe641Leu).

NM_001134407.3(GRIN2A):c.1923C>G (p.Phe641Leu)

Gene: GRIN2A (glutamate ionotropic receptor NMDA type subunit 2A; minus strand). Cytogenetic location: 16p13.2.
Variant type: single nucleotide variant.
Coding change: c.1923C>G on transcript NM_001134407.3 (MANE Select); coding-DNA position 1923, C replaced by G.
Protein change: p.Phe641Leu; replaces phenylalanine 641 with leucine.
Molecular consequence: missense variant.
Genome position (GRCh38, 1-based): chr16:9,829,507, G>C on the plus strand (C>G on the coding strand, the complement: GRIN2A is on the minus strand). VCF-style: chr16-9829507-G-C. GRCh37 (hg19) VCF-style: chr16-9923364-G-C.
Other names: c.1923C>G, p.Phe641Leu (NM_000833.5, NM_001134408.2); short protein forms F641L.
Identifiers: ClinVar variation 2729855 (VCV002729855.3), dbSNP rs2506111574, ClinGen allele CA394799394.